The following is an entry in ClinVar:

ClinVar aggregate classification (germline): Uncertain significance (1 of 4 stars; one submission).

Conditions:
RASopathy. Also called: rasopathies; Noonan spectrum disorder. Identifiers: Orphanet 536391, MedGen C5555857, MONDO:0021060.

Submission:

Labcorp Genetics (formerly Invitae), Labcorp
Classification: Uncertain significance for RASopathy. Last evaluated: 2023-05-21. Review status: criteria provided, single submitter. Criteria: Invitae Variant Classification Sherloc (09022015). Collection method: clinical testing. Allele origin: germline.
Comment: In summary, the available evidence is currently insufficient to determine the role of this variant in disease. Therefore, it has been classified as a Variant of Uncertain Significance. This sequence change replaces proline, which is neutral and non-polar, with alanine, which is neutral and non-polar, at codon 51 of the RAF1 protein (p.Pro51Ala). This variant is not present in population databases (gnomAD no frequency). This variant has not been reported in the literature in individuals affected with RAF1-related conditions. Advanced modeling of protein sequence and biophysical properties (such as structural, functional, and spatial information, amino acid conservation, physicochemical variation, residue mobility, and thermodynamic stability) performed at Invitae indicates that this missense variant is not expected to disrupt RAF1 protein function.

NM_002880.4(RAF1):c.151C>G (p.Pro51Ala)

Gene: RAF1 (Raf-1 proto-oncogene, serine/threonine kinase; minus strand). Cytogenetic location: 3p25.2.
Variant type: single nucleotide variant.
Coding change: c.151C>G on transcript NM_002880.4 (MANE Select); coding-DNA position 151, C replaced by G.
Protein change: p.Pro51Ala; replaces proline 51 with alanine.
Molecular consequence: missense variant. On other transcripts: non-coding transcript variant (3).
Genome position (GRCh38, 1-based): chr3:12,618,571, G>C on the plus strand (C>G on the coding strand, the complement: RAF1 is on the minus strand). VCF-style: chr3-12618571-G-C. GRCh37 (hg19) VCF-style: chr3-12660070-G-C.
Other names: c.151C>G, p.Pro51Ala (NM_001354689.3, NM_001354690.3, NM_001354693.3); c.21C>G, p.Ile7Met (NM_001354691.3, NM_001354692.3, NM_001354694.3 and 1 more transcripts); short protein forms I7M, P51A.
Identifiers: ClinVar variation 3007034 (VCV003007034.3), dbSNP rs2470446970, ClinGen allele CA351484968.
Genomic context (GRCh38, chr3:12,618,571, plus strand): 5'-ATACCACTGTTCTTTGCTTGTTCGGCAAGAAAACACGGATAGTGTTGCTTGTCTTAGAAG[G>C]ATCTGTGAGTTTGCCATCATCTGATGCCCGGCGCTGATAGCCAAACTGCTGAACTATTGT-3'
Protein context (NP_002871.1, residues 41-61): RASDDGKLTD[Pro51Ala]SKTSNTIRVF